The following is an entry in ClinVar:

ClinVar aggregate classification (germline): Uncertain significance. Review status: criteria provided, multiple submitters, no conflicts (2 of 4 stars). 3 submissions from 3 submitters: Uncertain significance (3). Last evaluated 2025-07-02.

Submissions (3):

Mayo Clinic Laboratories, Mayo Clinic
Classification: Uncertain significance. Last evaluated: 2025-07-02. Review status: criteria provided, single submitter. Criteria: ACMG Guidelines, 2015. Collection method: clinical testing. Allele origin: germline. Observed: 2 variant alleles.
Comment: PP3_moderate, PM2_supporting

ARUP Laboratories, Molecular Genetics and Genomics, ARUP Laboratories
Classification: Uncertain significance. Last evaluated: 2025-03-27. Review status: criteria provided, single submitter. Criteria: ARUP Molecular Germline Variant Investigation Process 2024. Collection method: clinical testing. Allele origin: germline.
Comment: The SLC4A1 c.2648T>A; p.Leu883His variant, to our knowledge, is not reported in the medical literature or gene specific databases. This variant is also absent from the Genome Aggregation Database (v2.1.1), indicating it is not a common polymorphism. Computational analyses predict that this variant is deleterious (REVEL: 0.903). However, given the lack of clinical and functional data, the significance of this variant is uncertain at this time.

Revvity Omics, Revvity
Classification: Uncertain significance. Last evaluated: 2024-12-21. Review status: criteria provided, single submitter. Criteria: ACMG Guidelines, 2015. Collection method: clinical testing. Allele origin: germline.

NM_000342.4(SLC4A1):c.2648T>A (p.Leu883His)

Gene: SLC4A1 (solute carrier family 4 member 1 (Diego blood group); minus strand). Cytogenetic location: 17q21.31.
Variant type: single nucleotide variant.
Coding change: c.2648T>A on transcript NM_000342.4 (MANE Select); coding-DNA position 2648, T replaced by A.
Protein change: p.Leu883His; replaces leucine 883 with histidine.
Molecular consequence: missense variant.
Genome position (GRCh38, 1-based): chr17:44,251,166, A>T on the plus strand (T>A on the coding strand, the complement: SLC4A1 is on the minus strand). VCF-style: chr17-44251166-A-T. GRCh37 (hg19) VCF-style: chr17-42328534-A-T.
Other names: p.Leu883His; short protein forms L883H.
Identifiers: ClinVar variation 4080107 (VCV004080107.3).